The following is an entry in ClinVar:

NM_000387.6(SLC25A20):c.167T>C (p.Phe56Ser)

Gene: SLC25A20 (solute carrier family 25 member 20; minus strand). Cytogenetic location: 3p21.31.
Variant type: single nucleotide variant.
Coding change: c.167T>C on transcript NM_000387.6 (MANE Select); coding-DNA position 167, T replaced by C.
Protein change: p.Phe56Ser; replaces phenylalanine 56 with serine.
Molecular consequence: missense variant.
Genome position (GRCh38, 1-based): chr3:48,892,011, A>G on the plus strand (T>C on the coding strand, the complement: SLC25A20 is on the minus strand). VCF-style: chr3-48892011-A-G. GRCh37 (hg19) VCF-style: chr3-48929444-A-G.
Other names: short protein forms F56S.
Identifiers: ClinVar variation 940171 (VCV000940171.4), dbSNP rs1216285427, ClinGen allele CA352637472.

ClinVar aggregate classification (germline): Uncertain significance (1 of 4 stars; one submission).

Conditions:
Carnitine acylcarnitine translocase deficiency (CACTD). Identifiers: Orphanet 159, MedGen C0342791, MONDO:0008918, OMIM 212138.

Allele frequency attached by ClinVar (database versions not stated): gnomAD exomes below 0.00001.
gnomAD v4.1: 2 of 1,614,010 alleles (0.00012%); highest among the groups gnomAD compares: Non-Finnish European, 0.00017%; no homozygotes.

Submission:

Labcorp Genetics (formerly Invitae), Labcorp
Classification: Uncertain significance for Carnitine acylcarnitine translocase deficiency. Last evaluated: 2021-08-27. Review status: criteria provided, single submitter. Criteria: Invitae Variant Classification Sherloc (09022015). Collection method: clinical testing. Allele origin: germline.
Comment: This sequence change replaces phenylalanine with serine at codon 56 of the SLC25A20 protein (p.Phe56Ser). The phenylalanine residue is moderately conserved and there is a large physicochemical difference between phenylalanine and serine. This variant is not present in population databases (ExAC no frequency). This variant has not been reported in the literature in individuals affected with SLC25A20-related conditions. Algorithms developed to predict the effect of missense changes on protein structure and function are either unavailable or do not agree on the potential impact of this missense change (SIFT: "Deleterious"; PolyPhen-2: "Benign"; Align-GVGD: "Class C0"). In summary, the available evidence is currently insufficient to determine the role of this variant in disease. Therefore, it has been classified as a Variant of Uncertain Significance.